The following is an entry in ClinVar:

NM_003413.4(ZIC3):c.92A>T (p.Glu31Val)

Gene: ZIC3 (Zic family zinc finger 3; plus strand). Cytogenetic location: Xq26.3.
Variant type: single nucleotide variant.
Coding change: c.92A>T on transcript NM_003413.4 (MANE Select); coding-DNA position 92, A replaced by T.
Protein change: p.Glu31Val; replaces glutamic acid 31 with valine.
Molecular consequence: missense variant.
Genome position (GRCh38, 1-based): chrX:137,566,783, A>T. VCF-style: chrX-137566783-A-T. GRCh37 (hg19) VCF-style: chrX-136648942-A-T.
Other names: c.92A>T, p.Glu31Val (NM_001330661.1); short protein forms E31V.
Identifiers: ClinVar variation 961872 (VCV000961872.9), dbSNP rs752686913, ClinGen allele CA10529258.
Genomic context (GRCh38, chrX:137,566,783, plus strand): 5'-TCCCTGGGCTGGGAGTGGGCAGCTTCGGCGCGCCGCGCCACCACGAGATGCCCAACCGTG[A>T]GCCGGCAGGCATGGGGCTGAATCCCTTCGGGGACTCAACCCACGCCGCCGCCGCCGCCGC-3'
Protein context (NP_003404.1, residues 21-41): APRHHEMPNR[Glu31Val]PAGMGLNPFG

ClinVar aggregate classification (germline): Uncertain significance (1 of 4 stars; one submission).

Conditions:
Heterotaxy, visceral, 1, X-linked (HTX1). Also called: DEXTROCARDIA WITH OTHER CARDIAC MALFORMATIONS; Laterality, X-linked; Visceral heterotaxia; SITUS INVERSUS, COMPLEX CARDIAC DEFECTS, AND SPLENIC DEFECTS, X-LINKED. Identifiers: Orphanet 450, MedGen C1844020, MONDO:0010607, OMIM 306955.

Allele frequency attached by ClinVar (database versions not stated): ExAC below 0.00001; gnomAD exomes 0.00001.
gnomAD v4.1: 6 of 1,183,016 alleles (0.00051%); highest among the groups gnomAD compares: Non-Finnish European, 0.00068%; no homozygotes.

Submission:

Labcorp Genetics (formerly Invitae), Labcorp
Classification: Uncertain significance for Heterotaxy, visceral, 1, X-linked. Last evaluated: 2019-11-08. Review status: criteria provided, single submitter. Criteria: Invitae Variant Classification Sherloc (09022015). Collection method: clinical testing. Allele origin: germline.
Comment: This variant has not been reported in the literature in individuals with ZIC3-related conditions. This sequence change replaces glutamic acid with valine at codon 31 of the ZIC3 protein (p.Glu31Val). The glutamic acid residue is moderately conserved and there is a moderate physicochemical difference between glutamic acid and valine. The frequency data for this variant in the population databases is considered unreliable, as metrics indicate poor data quality at this position in the ExAC database. Algorithms developed to predict the effect of missense changes on protein structure and function are either unavailable or do not agree on the potential impact of this missense change (SIFT: "Deleterious"; PolyPhen-2: "Benign"; Align-GVGD: "Class C0"). In summary, the available evidence is currently insufficient to determine the role of this variant in disease. Therefore, it has been classified as a Variant of Uncertain Significance.